The following is an entry in ClinVar:

ClinVar aggregate classification (germline): Uncertain significance (1 of 4 stars; one submission).

gnomAD v4.1: 27 of 1,426,708 alleles (0.0019%); highest among the groups gnomAD compares: Admixed American, 0.044%; no homozygotes.

Submission:

Labcorp Genetics (formerly Invitae), Labcorp
Classification: Uncertain significance. Last evaluated: 2025-12-15. Review status: criteria provided, single submitter. Criteria: Invitae Variant Classification Sherloc (09022015). Collection method: clinical testing. Allele origin: germline.
Comment: This sequence change replaces cysteine, which is neutral and slightly polar, with tyrosine, which is neutral and polar, at codon 5 of the AFG3L2 protein (p.Cys5Tyr). This variant is not present in population databases (gnomAD no frequency). This variant has not been reported in the literature in individuals affected with AFG3L2-related conditions. ClinVar contains an entry for this variant (Variation ID: 3617778). Invitae Evidence Modeling of protein sequence and biophysical properties (such as structural, functional, and spatial information, amino acid conservation, physicochemical variation, residue mobility, and thermodynamic stability) indicates that this missense variant is not expected to disrupt AFG3L2 protein function with a negative predictive value of 95%. In summary, the available evidence is currently insufficient to determine the role of this variant in disease. Therefore, it has been classified as a Variant of Uncertain Significance.

NM_006796.3(AFG3L2):c.14G>A (p.Cys5Tyr)

Gene: AFG3L2 (AFG3 like matrix AAA peptidase subunit 2; minus strand). Cytogenetic location: 18p11.21.
Variant type: single nucleotide variant.
Coding change: c.14G>A on transcript NM_006796.3 (MANE Select); coding-DNA position 14, G replaced by A.
Protein change: p.Cys5Tyr; replaces cysteine 5 with tyrosine.
Molecular consequence: missense variant.
Genome position (GRCh38, 1-based): chr18:12,377,069, C>T on the plus strand (G>A on the coding strand, the complement: AFG3L2 is on the minus strand). VCF-style: chr18-12377069-C-T. GRCh37 (hg19) VCF-style: chr18-12377068-C-T.
Other names: short protein forms C5Y.
Identifiers: ClinVar variation 3617778 (VCV003617778.2).